The following is an entry in ClinVar:

NM_001378687.1(ATP2C1):c.1402C>T (p.Arg468Ter)

Gene: ATP2C1 (ATPase secretory pathway Ca2+ transporting 1; plus strand). Cytogenetic location: 3q22.1.
Variant type: single nucleotide variant.
Coding change: c.1402C>T on transcript NM_001378687.1 (MANE Select); coding-DNA position 1402, C replaced by T.
Protein change: p.Arg468Ter; replaces arginine 468 with a stop codon.
Molecular consequence: nonsense.
Genome position (GRCh38, 1-based): chr3:130,969,385, C>T. VCF-style: chr3-130969385-C-T. GRCh37 (hg19) VCF-style: chr3-130688229-C-T.
Other names: c.1402C>T, p.Arg468Ter (NM_001001485.3, NM_001001486.2, NM_001001487.2 and 5 more transcripts); c.1504C>T, p.Arg502Ter (NM_001199180.2, NM_001199181.3, NM_001378511.1); c.1387C>T, p.Arg463Ter (NM_001199182.2); c.1354C>T, p.Arg452Ter (NM_001199183.2, NM_001199184.3, NM_001378514.1); short protein forms R468*, R452*, R502*, R463*.
Identifiers: ClinVar variation 5583 (VCV000005583.7), dbSNP rs137853013, ClinGen allele CA117624.

ClinVar aggregate classification (germline): Pathogenic. Review status: criteria provided, single submitter (1 of 4 stars). 3 submissions from 3 submitters: Pathogenic (1). 2 of the submissions do not count toward it. Last evaluated 2025-01-13.

Conditions:
Familial benign pemphigus (HHD). Identifiers: Orphanet 2841, MedGen C0085106, MONDO:0008218, OMIM 169600.

Allele frequency attached by ClinVar (database versions not stated): gnomAD exomes below 0.00001.
gnomAD v4.1: 1 of 1,611,186 alleles (0.000062%); highest among the groups gnomAD compares: East Asian, 0.0022%; no homozygotes.

Submissions (3):

Labcorp Genetics (formerly Invitae), Labcorp
Classification: Pathogenic. Last evaluated: 2025-01-13. Review status: criteria provided, single submitter. Criteria: Invitae Variant Classification Sherloc (09022015). Collection method: clinical testing. Allele origin: germline.
Comment: This sequence change creates a premature translational stop signal (p.Arg468*) in the ATP2C1 gene. It is expected to result in an absent or disrupted protein product. Loss-of-function variants in ATP2C1 are known to be pathogenic (PMID: 10615129, 10767338, 11841554). This variant is present in population databases (rs137853013, gnomAD 0.006%). This premature translational stop signal has been observed in individual(s) with Hailey-Hailey disease (PMID: 10615129). ClinVar contains an entry for this variant (Variation ID: 5583). For these reasons, this variant has been classified as Pathogenic.

OMIM
Classification: Pathogenic for HAILEY-HAILEY DISEASE. Last evaluated: 2000-01-01. Review status: no assertion criteria provided. Collection method: literature only. Allele origin: germline. Not counted in ClinVar's aggregate classification.

Department of Dermatology, The Second Affiliated Hospital of Nanchang University
Classification: Likely pathogenic for Familial benign pemphigus. Review status: no assertion criteria provided. Collection method: clinical testing. Allele origin: germline. Inheritance: Autosomal dominant inheritance. Not counted in ClinVar's aggregate classification.

Literature cited by the submitters: PubMed 10615129 (cited by Labcorp Genetics (formerly Invitae), Labcorp and OMIM); PubMed 10767338 (cited by Labcorp Genetics (formerly Invitae), Labcorp); PubMed 11841554 (cited by Labcorp Genetics (formerly Invitae), Labcorp); DOI 10.1038/71701 (cited by Department of Dermatology, The Second Affiliated Hospital of Nanchang University).